The following is an entry in ClinVar:

NM_004817.4(TJP2):c.3371C>T (p.Thr1124Met)

Gene: TJP2 (tight junction protein 2; plus strand). Cytogenetic location: 9q21.11.
Variant type: single nucleotide variant.
Coding change: c.3371C>T on transcript NM_004817.4 (MANE Select); coding-DNA position 3371, C replaced by T.
Protein change: p.Thr1124Met; replaces threonine 1124 with methionine.
Molecular consequence: missense variant.
Genome position (GRCh38, 1-based): chr9:69,252,864, C>T. VCF-style: chr9-69252864-C-T. GRCh37 (hg19) VCF-style: chr9-71867780-C-T.
Other names: p.Thr1124Met; c.3371C>T, p.Thr1124Met (LRG_1201t1); c.2861C>T, p.Thr954Met (NM_001170414.2); c.3272C>T, p.Thr1091Met (NM_001170415.1); c.3464C>T, p.Thr1155Met (NM_001170416.2); c.3296C>T, p.Thr1099Met (NM_001369870.1); c.3302C>T, p.Thr1101Met (NM_001369871.1); c.3260C>T, p.Thr1087Met (NM_001369872.1); and 4 more; short protein forms T1124M, T1099M, T1128M, T1091M, T981M, T1016M, T1087M, T1101M.
Identifiers: ClinVar variation 367235 (VCV000367235.17), dbSNP rs376663560, ClinGen allele CA5073949.

ClinVar aggregate classification (germline): Conflicting classifications of pathogenicity. Review status: criteria provided, conflicting classifications (1 of 4 stars). 6 submissions from 6 submitters: Pathogenic (1); Likely pathogenic (1); Uncertain significance (3). 1 of the submissions does not count toward it. Last evaluated 2026-08-14.

Conditions:
Cholestasis, progressive familial intrahepatic, 4. Identifiers: Orphanet 480483, Orphanet 79304, MedGen C2931067, MONDO:0014381, OMIM 615878.
Hypercholanemia, familial 1 (FHCA1). Identifiers: Orphanet 238475, MedGen C5542604, MONDO:0031446, OMIM 607748.
Primary biliary cholangitis. Also called: Primary biliary cirrhosis. Identifiers: Orphanet 186, MedGen C0008312, MONDO:0005388.
TJP2-related disorder. Also called: TJP2-related condition.

Allele frequency attached by ClinVar (database versions not stated): ExAC 0.00007; gnomAD exomes 0.00012 and 0.00014; ESP Exome Variant Server 0.00015; TOPMed 0.00030; gnomAD 0.00033.
gnomAD v4.1: 242 of 1,614,176 alleles (0.015%); highest among the groups gnomAD compares: Admixed American, 0.1%; 2 homozygotes.

Submissions (6):

PreventionGenetics, part of Exact Sciences
Classification: Uncertain significance for TJP2-related condition. Last evaluated: 2026-08-14. Review status: criteria provided, single submitter. Criteria: ACMG Guidelines, 2015. Collection method: clinical testing. Allele origin: germline.
Comment: The TJP2 c.3371C>T variant is predicted to result in the amino acid substitution p.Thr1124Met. This variant was reported in an individual with mildly elevated cholate and decreased taurochenodeoxycholate (Supplementary Table 2, Alaimo et al. 2020. PubMed ID: 32439973). This variant is reported in 0.052% of alleles in individuals of Latino descent in gnomAD. At this time, the clinical significance of this variant is uncertain due to the absence of conclusive functional and genetic evidence. This variant is reported in 0.052% of alleles in individuals of Latino descent in gnomAD. At this time, the clinical significance of this variant is uncertain due to the absence of conclusive functional and genetic evidence.

GeneDx
Classification: Uncertain significance. Last evaluated: 2025-08-20. Review status: criteria provided, single submitter. Criteria: GeneDx Variant Classification Process June 2021. Collection method: clinical testing. Allele origin: germline.
Comment: Identified in a patient with familial cholestasis in published literature (PMID: 32439973); In silico analysis suggests that this missense variant does not alter protein structure/function; This variant is associated with the following publications: (PMID: 32439973)

Labcorp Genetics (formerly Invitae), Labcorp
Classification: Uncertain significance. Last evaluated: 2024-10-26. Review status: criteria provided, single submitter. Criteria: Invitae Variant Classification Sherloc (09022015). Collection method: clinical testing. Allele origin: germline.
Comment: This sequence change replaces threonine, which is neutral and polar, with methionine, which is neutral and non-polar, at codon 1124 of the TJP2 protein (p.Thr1124Met). The frequency data for this variant in the population databases is considered unreliable, as metrics indicate poor data quality at this position in the gnomAD database. This missense change has been observed in individual(s) with clinical features of TJP2-related conditions (PMID: 32439973). ClinVar contains an entry for this variant (Variation ID: 367235). An algorithm developed to predict the effect of missense changes on protein structure and function (PolyPhen-2) suggests that this variant is likely to be tolerated. In summary, the available evidence is currently insufficient to determine the role of this variant in disease. Therefore, it has been classified as a Variant of Uncertain Significance.

Petrovsky National Research Centre of Surgery, The Federal Agency for Scientific Organizations
Classification: Likely pathogenic for Primary biliary cholangitis. Last evaluated: 2022-12-21. Review status: criteria provided, single submitter. Criteria: ACMG Guidelines, 2015. Collection method: clinical testing. Allele origin: germline. Affected: yes.
Comment: Metabolomic data suggests this variant should be upgraded from Variant of Uncertain Significance (VUS) to Likely Pathogenic status (PMID: 32439973). Clinvar contains entry on this variant (Variantion ID: 367235). The variant is in Genome Aggregation Database (gnomAD) v2.1.1 with total MAF 0.0001193 (Date of access 15-12-2022). Most in silico predictors show benign result of the protein change. In accordance with ACMG(2015) criteria this variant is classified as Likely Pathogenic with following criteria selected: PS3, PM2, BP4.

Mendelics
Classification: Pathogenic for Hypercholanemia, familial 1. Last evaluated: 2022-05-04. Review status: criteria provided, single submitter. Criteria: Mendelics Assertion Criteria 2019. Collection method: clinical testing. Allele origin: germline.

Elsea Laboratory, Baylor College of Medicine
Classification: Likely pathogenic for Cholestasis, progressive familial intrahepatic, 4; Hypercholanemia, familial 1. Last evaluated: 2020-04-01. Review status: no assertion criteria provided. Collection method: clinical testing. Allele origin: maternal. Affected: yes. Not counted in ClinVar's aggregate classification.

Literature cited by the submitters: PubMed 32439973 (cited by Labcorp Genetics (formerly Invitae), Labcorp and Petrovsky National Research Centre of Surgery, The Federal Agency for Scientific Organizations).